The following is an entry in ClinVar:

ClinVar aggregate classification (germline): Uncertain significance (1 of 4 stars; one submission).

gnomAD v4.1: 22 of 1,614,136 alleles (0.0014%); highest among the groups gnomAD compares: African/African-American, 0.024%; no homozygotes.

Submission:

Labcorp Genetics (formerly Invitae), Labcorp
Classification: Uncertain significance. Last evaluated: 2025-03-05. Review status: criteria provided, single submitter. Criteria: Invitae Variant Classification Sherloc (09022015). Collection method: clinical testing. Allele origin: germline.
Comment: This sequence change replaces isoleucine, which is neutral and non-polar, with valine, which is neutral and non-polar, at codon 281 of the SLCO5A1 protein (p.Ile281Val). This variant is present in population databases (rs201092499, gnomAD 0.04%). This variant has not been reported in the literature in individuals affected with SLCO5A1-related conditions. An algorithm developed to predict the effect of missense changes on protein structure and function (PolyPhen-2) suggests that this variant is likely to be disruptive. In summary, the available evidence is currently insufficient to determine the role of this variant in disease. Therefore, it has been classified as a Variant of Uncertain Significance.

NM_030958.3(SLCO5A1):c.841A>G (p.Ile281Val)

Gene: SLCO5A1 (solute carrier organic anion transporter family member 5A1; minus strand). Cytogenetic location: 8q13.3.
Variant type: single nucleotide variant.
Coding change: c.841A>G on transcript NM_030958.3 (MANE Select); coding-DNA position 841, A replaced by G.
Protein change: p.Ile281Val; replaces isoleucine 281 with valine.
Molecular consequence: missense variant.
Genome position (GRCh38, 1-based): chr8:69,831,833, T>C on the plus strand (A>G on the coding strand, the complement: SLCO5A1 is on the minus strand). VCF-style: chr8-69831833-T-C. GRCh37 (hg19) VCF-style: chr8-70744068-T-C.
Other names: c.841A>G, p.Ile281Val (NM_001146008.2, NM_001146009.1); short protein forms I281V.
Identifiers: ClinVar variation 3712004 (VCV003712004.2).
Genomic context (GRCh38, chr8:69,831,833, plus strand): 5'-ACAAGGAGGAGTTTTCTTTCTTGACATTGTCATCTAAGTAGGTTGGTCCCAGGGTATAAA[T>C]AGGTGTGGAGCCCATTCCAATGAGAATCTGCGCGCAAATGAATAAAGCCACGTAGACCCA-3'
Protein context (NP_112220.2, residues 271-291): QILIGMGSTP[Ile281Val]YTLGPTYLDD